The following is an entry in ClinVar:

ClinVar aggregate classification (germline): Conflicting classifications of pathogenicity. Review status: criteria provided, conflicting classifications (1 of 4 stars). 2 submissions from 2 submitters: Uncertain significance (1); Likely benign (1). Last evaluated 2025-07-23.

Allele frequency attached by ClinVar (database versions not stated): ExAC 0.00004; gnomAD 0.00018 and 0.00016; gnomAD exomes 0.00002; ESP Exome Variant Server 0.00023.
gnomAD v4.1: 51 of 1,613,170 alleles (0.0032%); highest among the groups gnomAD compares: African/African-American, 0.064%; 1 homozygote.

Submissions (2):

GeneDx
Classification: Uncertain significance. Last evaluated: 2025-07-23. Review status: criteria provided, single submitter. Criteria: GeneDx Variant Classification Process June 2021. Collection method: clinical testing. Allele origin: germline. Affected: yes.
Comment: In silico analysis is inconclusive as to whether the variant alters gene splicing. In the absence of RNA/functional studies, the actual effect of this sequence change is unknown.; Has not been previously published as pathogenic or benign to our knowledge

Labcorp Genetics (formerly Invitae), Labcorp
Classification: Likely benign. Last evaluated: 2025-06-10. Review status: criteria provided, single submitter. Criteria: Invitae Variant Classification Sherloc (09022015). Collection method: clinical testing. Allele origin: germline.

NM_016180.5(SLC45A2):c.563-11T>G

Gene: SLC45A2 (solute carrier family 45 member 2; minus strand). Cytogenetic location: 5p13.2.
Variant type: single nucleotide variant.
Coding change: c.563-11T>G on transcript NM_016180.5 (MANE Select); 11 bases into the intron before coding-DNA position 563, T replaced by G.
Molecular consequence: intron variant.
Genome position (GRCh38, 1-based): chr5:33,964,027, A>C on the plus strand (T>G on the coding strand, the complement: SLC45A2 is on the minus strand). VCF-style: chr5-33964027-A-C. GRCh37 (hg19) VCF-style: chr5-33964132-A-C.
Other names: c.563-11T>G (NM_001012509.4); c.563-9523T>G (NM_001297417.4).
Identifiers: ClinVar variation 1663885 (VCV001663885.9), dbSNP rs372985571, ClinGen allele CA3225743.